The following is an entry in ClinVar:

NM_001389.5(DSCAM):c.2243A>G (p.Asn748Ser)

Gene: DSCAM (DS cell adhesion molecule; minus strand). Cytogenetic location: 21q22.2.
Variant type: single nucleotide variant.
Coding change: c.2243A>G on transcript NM_001389.5 (MANE Select); coding-DNA position 2243, A replaced by G.
Protein change: p.Asn748Ser; replaces asparagine 748 with serine.
Molecular consequence: missense variant. On other transcripts: non-coding transcript variant (1).
Genome position (GRCh38, 1-based): chr21:40,276,210, T>C on the plus strand (A>G on the coding strand, the complement: DSCAM is on the minus strand). VCF-style: chr21-40276210-T-C. GRCh37 (hg19) VCF-style: chr21-41648137-T-C.
Other names: c.2243A>G, p.Asn748Ser (NM_001271534.3); short protein forms N748S.
Identifiers: ClinVar variation 4984122 (VCV004984122.1).

ClinVar aggregate classification (germline): Uncertain significance (1 of 4 stars; one submission).

Conditions:
DSCAM-related disorder. Also called: DSCAM-related condition.

Submission:

PreventionGenetics, part of Exact Sciences
Classification: Uncertain significance for DSCAM-related condition. Last evaluated: 2026-04-06. Review status: criteria provided, single submitter. Criteria: ACMG Guidelines, 2015. Collection method: clinical testing. Allele origin: germline.
Comment: The DSCAM c.2243A>G variant is predicted to result in the amino acid substitution p.Asn748Ser. To our knowledge, this variant has not been reported in the literature or in a large population database (gnomAD), indicating this variant is rare. At this time, the clinical significance of this variant is uncertain due to the absence of conclusive functional and genetic evidence.